The following is an entry in ClinVar:

NM_001184.4(ATR):c.3579C>G (p.Cys1193Trp)

Gene: ATR (ATR checkpoint kinase; minus strand). Cytogenetic location: 3q23.
Variant type: single nucleotide variant.
Coding change: c.3579C>G on transcript NM_001184.4 (MANE Select); coding-DNA position 3579, C replaced by G.
Protein change: p.Cys1193Trp; replaces cysteine 1193 with tryptophan.
Molecular consequence: missense variant.
Genome position (GRCh38, 1-based): chr3:142,540,906, G>C on the plus strand (C>G on the coding strand, the complement: ATR is on the minus strand). VCF-style: chr3-142540906-G-C. GRCh37 (hg19) VCF-style: chr3-142259748-G-C.
Other names: c.3387C>G, p.Cys1129Trp (NM_001354579.2); short protein forms C1129W, C1193W.
Identifiers: ClinVar variation 3221129 (VCV003221129.1), dbSNP rs2108437811, ClinGen allele CA354807691.

ClinVar aggregate classification (germline): Uncertain significance (1 of 4 stars; one submission).

Conditions:
Inborn genetic diseases. Identifiers: MedGen C0950123, MeSH D030342.

Submission:

Ambry Genetics
Classification: Uncertain significance for Inborn genetic diseases. Last evaluated: 2023-12-30. Review status: criteria provided, single submitter. Criteria: Ambry Variant Classification Scheme 2023. Collection method: clinical testing. Allele origin: germline.
Comment: The p.C1193W variant (also known as c.3579C>G), located in coding exon 18 of the ATR gene, results from a C to G substitution at nucleotide position 3579. The cysteine at codon 1193 is replaced by tryptophan, an amino acid with highly dissimilar properties. This amino acid position is conserved. In addition, this alteration is predicted to be deleterious by in silico analysis. Since supporting evidence is limited at this time, the clinical significance of this alteration remains unclear.